The following is an entry in ClinVar:

NM_145290.4(ADGRA3):c.2543G>A (p.Arg848Gln)

Gene: ADGRA3 (adhesion G protein-coupled receptor A3; minus strand). Cytogenetic location: 4p15.2.
Variant type: single nucleotide variant.
Coding change: c.2543G>A on transcript NM_145290.4 (MANE Select); coding-DNA position 2543, G replaced by A.
Protein change: p.Arg848Gln; replaces arginine 848 with glutamine.
Molecular consequence: missense variant.
Genome position (GRCh38, 1-based): chr4:22,392,629, C>T on the plus strand (G>A on the coding strand, the complement: ADGRA3 is on the minus strand). VCF-style: chr4-22392629-C-T. GRCh37 (hg19) VCF-style: chr4-22394252-C-T.
Other names: short protein forms R848Q.
Identifiers: ClinVar variation 1430875 (VCV001430875.8), dbSNP rs966886838, ClinGen allele CA93486082.

ClinVar aggregate classification (germline): Uncertain significance (1 of 4 stars; one submission).

Allele frequency attached by ClinVar (database versions not stated): gnomAD 0.00001; gnomAD exomes 0.00001 and 0.00002; TOPMed 0.00002.
gnomAD v4.1: 15 of 1,613,610 alleles (0.00093%); highest among the groups gnomAD compares: Admixed American, 0.0017%; no homozygotes.

Submission:

Labcorp Genetics (formerly Invitae), Labcorp
Classification: Uncertain significance. Last evaluated: 2022-11-17. Review status: criteria provided, single submitter. Criteria: Invitae Variant Classification Sherloc (09022015). Collection method: clinical testing. Allele origin: germline.
Comment: In summary, the available evidence is currently insufficient to determine the role of this variant in disease. Therefore, it has been classified as a Variant of Uncertain Significance. Algorithms developed to predict the effect of missense changes on protein structure and function are either unavailable or do not agree on the potential impact of this missense change (SIFT: "Tolerated"; PolyPhen-2: "Probably Damaging"; Align-GVGD: "Class C0"). ClinVar contains an entry for this variant (Variation ID: 1430875). This variant has not been reported in the literature in individuals affected with ADGRA3-related conditions. This variant is present in population databases (no rsID available, gnomAD 0.004%). This sequence change replaces arginine, which is basic and polar, with glutamine, which is neutral and polar, at codon 848 of the ADGRA3 protein (p.Arg848Gln).